The following is an entry in ClinVar:

NM_002180.3(IGHMBP2):c.1892C>G (p.Thr631Arg)

Gene: IGHMBP2 (immunoglobulin mu DNA binding protein 2; plus strand). Cytogenetic location: 11q13.3.
Variant type: single nucleotide variant.
Coding change: c.1892C>G on transcript NM_002180.3 (MANE Select); coding-DNA position 1892, C replaced by G.
Protein change: p.Thr631Arg; replaces threonine 631 with arginine.
Molecular consequence: missense variant.
Genome position (GRCh38, 1-based): chr11:68,936,372, C>G. VCF-style: chr11-68936372-C-G. GRCh37 (hg19) VCF-style: chr11-68703840-C-G.
Other names: short protein forms T631R.
Identifiers: ClinVar variation 2002798 (VCV002002798.1), dbSNP rs2496070717, ClinGen allele CA381651887.

ClinVar aggregate classification (germline): Uncertain significance (1 of 4 stars; one submission).

Conditions:
Autosomal recessive distal spinal muscular atrophy 1. Also called: NEURONOPATHY, SEVERE INFANTILE AXONAL, WITH RESPIRATORY FAILURE; SEVERE INFANTILE AXONAL NEUROPATHY WITH RESPIRATORY FAILURE; SPINAL MUSCULAR ATROPHY, DIAPHRAGMATIC; Spinal muscular atrophy with respiratory distress 1; NEURONOPATHY, DISTAL HEREDITARY MOTOR, HARDING TYPE VI; NEUROPATHY, DISTAL HEREDITARY MOTOR, AUTOSOMAL RECESSIVE 1. Identifiers: Orphanet 98920, MedGen C1858517, MONDO:0011436, OMIM 604320.
Charcot-Marie-Tooth disease axonal type 2S. Also called: CHARCOT-MARIE-TOOTH DISEASE, AXONAL, AUTOSOMAL RECESSIVE, TYPE 2S; CHARCOT-MARIE-TOOTH NEUROPATHY, TYPE 2S. Identifiers: Orphanet 443073, MedGen C4015349, MONDO:0014511, OMIM 616155.

Submission:

Labcorp Genetics (formerly Invitae), Labcorp
Classification: Uncertain significance for Autosomal recessive distal spinal muscular atrophy 1; Charcot-Marie-Tooth disease axonal type 2S. Last evaluated: 2022-06-08. Review status: criteria provided, single submitter. Criteria: Invitae Variant Classification Sherloc (09022015). Collection method: clinical testing. Allele origin: germline.
Comment: This sequence change replaces threonine, which is neutral and polar, with arginine, which is basic and polar, at codon 631 of the IGHMBP2 protein (p.Thr631Arg). This variant is not present in population databases (gnomAD no frequency). This variant has not been reported in the literature in individuals affected with IGHMBP2-related conditions. Advanced modeling of protein sequence and biophysical properties (such as structural, functional, and spatial information, amino acid conservation, physicochemical variation, residue mobility, and thermodynamic stability) performed at Invitae indicates that this missense variant is not expected to disrupt IGHMBP2 protein function. In summary, the available evidence is currently insufficient to determine the role of this variant in disease. Therefore, it has been classified as a Variant of Uncertain Significance.